The following is an entry in ClinVar:

ClinVar aggregate classification (germline): Conflicting classifications of pathogenicity. Review status: criteria provided, conflicting classifications (1 of 4 stars). 5 submissions from 5 submitters: Likely pathogenic (2); Uncertain significance (2). 1 of the submissions does not count toward it. Last evaluated 2025-11-07.

Conditions:
Niemann-Pick disease, type B. Also called: Chronic Visceral ASMD (Niemann-Pick Disease Type B; NPD-B). Identifiers: Orphanet 77293, MedGen C0268243, MONDO:0011871, OMIM 607616. Disease mechanism: loss of function.
Niemann-Pick disease, type A. Also called: SPHINGOMYELIN LIPIDOSIS; SPHINGOMYELINASE DEFICIENCY; Infantile Neurovisceral ASMD (Niemann-Pick Disease Type A; NPD-A). Identifiers: Orphanet 77292, MedGen C0268242, MONDO:0009756, OMIM 257200. Disease mechanism: loss of function.

Allele frequency attached by ClinVar (database versions not stated): gnomAD exomes 0.00001; ExAC 0.00002.
gnomAD v4.1: 8 of 1,614,228 alleles (0.0005%); highest among the groups gnomAD compares: South Asian, 0.0044%; no homozygotes.

Submissions (5):

Women's Health and Genetics/Laboratory Corporation of America, LabCorp
Classification: Uncertain significance. Last evaluated: 2025-11-07. Review status: criteria provided, single submitter. Criteria: LabCorp Variant Classification Summary - May 2015. Collection method: clinical testing. Allele origin: germline.
Comment: Variant summary: SMPD1 c.958A>G (p.Asn320Asp) results in a conservative amino acid change in the encoded protein sequence. Algorithms developed to predict the effect of missense changes on protein structure and function are either unavailable or do not agree on the potential impact of this missense change. The variant allele was found at a frequency of 1.2e-05 in 251468 control chromosomes. c.958A>G has been observed in individuals affected with Niemann-Pick Disease (e.g. Ranganath_2016, Deshpande_2021, Sheth_2024). These data indicate that the variant may be associated with disease. To our knowledge, no experimental evidence demonstrating an impact on protein function has been reported. The following publications have been ascertained in the context of this evaluation (PMID: 27338287, 34273913, 38730490). ClinVar contains an entry for this variant (Variation ID: 556246). Based on the evidence outlined above, the variant was classified as VUS-possibly pathogenic.

Foundation for Research in Genetics and Endocrinology, FRIGE's Institute of Human Genetics
Classification: Likely pathogenic for Niemann-Pick disease, type A. Last evaluated: 2022-01-08. Review status: criteria provided, single submitter. Criteria: ACMG Guidelines, 2015. Collection method: clinical testing. Allele origin: germline. Inheritance: Autosomal recessive inheritance. Affected: yes. Observed: 1 compound heterozygote.
Comment: A heterozygous missense variation in exon 2 of the SMPD1 gene that results in the amino acid substitution of Aspartate for Asparagine at codon 320 was detected. The observed variant c.958A>G (p.Asn320Asp) has not been reported in the 1000 genomes and has a MAF of 0.012% in the gnomAD databases. The in silico prediction of the variant is disease causing by DANN and MutationTaster. In summary, the variant meets our criteria to be classified as likely pathogenic.

Diagnostics Division, CENTRE FOR DNA FINGERPRINTING AND DIAGNOSTICS
Classification: Likely pathogenic for Niemann-Pick disease, type A; Niemann-Pick disease, type B. Last evaluated: 2021-04-25. Review status: criteria provided, single submitter. Criteria: ACMG Guidelines, 2015. Collection method: research. Allele origin: germline. Affected: yes. Observed: 1 variant allele.

Eurofins Ntd Llc (ga)
Classification: Uncertain significance. Last evaluated: 2017-11-08. Review status: criteria provided, single submitter. Criteria: EGL Classification Definitions 2015. Collection method: clinical testing. Allele origin: germline. Observed: 1 variant allele, 1 heterozygote.

Counsyl
Classification: Uncertain significance for Niemann-Pick disease, type A. Last evaluated: 2018-01-22. Review status: no assertion criteria provided. Collection method: clinical testing. Allele origin: unknown. Not counted in ClinVar's aggregate classification.

Literature cited by the submitters: PubMed 27338287 (cited by Women's Health and Genetics/Laboratory Corporation of America, LabCorp and Counsyl); PubMed 34273913 (cited by Women's Health and Genetics/Laboratory Corporation of America, LabCorp); PubMed 38730490 (cited by Women's Health and Genetics/Laboratory Corporation of America, LabCorp).

NM_000543.5(SMPD1):c.958A>G (p.Asn320Asp)

Gene: SMPD1 (sphingomyelin phosphodiesterase 1; plus strand). Cytogenetic location: 11p15.4.
Variant type: single nucleotide variant.
Coding change: c.958A>G on transcript NM_000543.5 (MANE Select); coding-DNA position 958, A replaced by G.
Protein change: p.Asn320Asp; replaces asparagine 320 with aspartic acid.
Molecular consequence: missense variant. On other transcripts: 5 prime UTR variant (1), non-coding transcript variant (1).
Genome position (GRCh38, 1-based): chr11:6,392,023, A>G. VCF-style: chr11-6392023-A-G. GRCh37 (hg19) VCF-style: chr11-6413253-A-G.
Other names: p.Asn320Asp; c.955A>G, p.Asn319Asp (NM_001007593.3); c.958A>G, p.Asn320Asp (NM_001318087.2, NM_001365135.2); c.-4A>G (NM_001318088.2); short protein forms N320D, N319D.
Identifiers: ClinVar variation 556246 (VCV000556246.11), dbSNP rs779927660, ClinGen allele CA5852717.
Genomic context (GRCh38, chr11:6,392,023, plus strand): 5'-ACCGTCACAGCACTTGTGAGGAAGTTCCTGGGGCCAGTGCCAGTGTACCCTGCTGTGGGT[A>G]ACCATGAAAGCACACCTGTCAATAGCTTCCCTCCCCCCTTCATTGAGGGCAACCACTCCT-3'
Protein context (NP_000534.3, residues 310-330): GPVPVYPAVG[Asn320Asp]HESTPVNSFP